The following is an entry in ClinVar:

ClinVar aggregate classification (germline): Uncertain significance (1 of 4 stars; one submission).

Submission:

Labcorp Genetics (formerly Invitae), Labcorp
Classification: Uncertain significance. Last evaluated: 2024-12-03. Review status: criteria provided, single submitter. Criteria: Invitae Variant Classification Sherloc (09022015). Collection method: clinical testing. Allele origin: germline.
Comment: This sequence change replaces alanine, which is neutral and non-polar, with serine, which is neutral and polar, at codon 3187 of the PCLO protein (p.Ala3187Ser). This variant is not present in population databases (gnomAD no frequency). This variant has not been reported in the literature in individuals affected with PCLO-related conditions. Experimental studies and prediction algorithms are not available or were not evaluated, and the functional significance of this variant is currently unknown. In summary, the available evidence is currently insufficient to determine the role of this variant in disease. Therefore, it has been classified as a Variant of Uncertain Significance.

NM_033026.6(PCLO):c.9559G>T (p.Ala3187Ser)

Gene: PCLO (piccolo presynaptic cytomatrix protein; minus strand). Cytogenetic location: 7q21.11.
Variant type: single nucleotide variant.
Coding change: c.9559G>T on transcript NM_033026.6 (MANE Select); coding-DNA position 9559, G replaced by T.
Protein change: p.Ala3187Ser; replaces alanine 3187 with serine.
Molecular consequence: missense variant.
Genome position (GRCh38, 1-based): chr7:82,951,029, C>A on the plus strand (G>T on the coding strand, the complement: PCLO is on the minus strand). VCF-style: chr7-82951029-C-A. GRCh37 (hg19) VCF-style: chr7-82580345-C-A.
Other names: c.9559G>T, p.Ala3187Ser (NM_014510.3); short protein forms A3187S.
Identifiers: ClinVar variation 3669078 (VCV003669078.2).